The following is an entry in ClinVar:

ClinVar aggregate classification (germline): Pathogenic (1 of 4 stars; one submission).

Submission:

GeneDx
Classification: Pathogenic. Last evaluated: 2019-05-15. Review status: criteria provided, single submitter. Criteria: GeneDx Variant Classification Process June 2021. Collection method: clinical testing. Allele origin: germline. Affected: yes.
Comment: Frameshift variant predicted to result in protein truncation or nonsense mediated decay in a gene for which loss-of-function is a known mechanism of disease; Not observed in large population cohorts (Lek et al., 2016); Has not been previously published as pathogenic or benign to our knowledge

NM_001127222.2(CACNA1A):c.6114del (p.Met2038fs)

Gene: CACNA1A (calcium voltage-gated channel subunit alpha1 A; minus strand). Cytogenetic location: 19p13.13.
Variant type: Deletion.
Coding change: c.6114del on transcript NM_001127222.2 (MANE Select); coding-DNA position 6114, one base deleted (G; older notation c.6114delG).
Protein change: p.Met2038fs; shifts the reading frame from methionine 2038.
Molecular consequence: frameshift variant.
Genome position (GRCh38, 1-based): chr19:13,212,459, C deleted on the plus strand (G on the coding strand, the reverse complement: CACNA1A is on the minus strand). VCF-style (leftmost placement, unchanged base first): chr19-13212458-AC-A. GRCh37 (hg19) VCF-style: chr19-13323272-AC-A.
Other names: c.6132del, p.Met2044fs (NM_000068.4, NM_023035.3); c.6117del, p.Met2039fs (NM_001127221.2); c.6123del, p.Met2041fs (NM_001174080.2); c.6117delG (NM_001127221.1); short protein forms M2041fs, M2038fs, M2039fs, M2044fs.
Identifiers: ClinVar variation 423055 (VCV000423055.2), dbSNP rs1064796199, ClinGen allele CA16620774.